The following is an entry in ClinVar:

NM_000349.3(STAR):c.306+9C>T

Gene: STAR (steroidogenic acute regulatory protein; minus strand). Cytogenetic location: 8p11.23.
Variant type: single nucleotide variant.
Coding change: c.306+9C>T on transcript NM_000349.3 (MANE Select); 9 bases into the intron after coding-DNA position 306, C replaced by T.
Molecular consequence: intron variant.
Genome position (GRCh38, 1-based): chr8:38,148,191, G>A on the plus strand (C>T on the coding strand, the complement: STAR is on the minus strand). VCF-style: chr8-38148191-G-A. GRCh37 (hg19) VCF-style: chr8-38005709-G-A.
Other names: c.306+9C>T (NM_000349.2).
Identifiers: ClinVar variation 1154992 (VCV001154992.9), dbSNP rs747973021, ClinGen allele CA4715288.

ClinVar aggregate classification (germline): Likely benign. Review status: criteria provided, single submitter (1 of 4 stars). 2 submissions from 2 submitters: Likely benign (1). 1 of the submissions does not count toward it. Last evaluated 2023-12-13.

Conditions:
STAR-related disorder. Also called: STAR-related condition.

Allele frequency attached by ClinVar (database versions not stated): gnomAD 0.00001 and 0.00002; ExAC 0.00002; gnomAD exomes 0.00002; TOPMed 0.00003.
gnomAD v4.1: 50 of 1,613,728 alleles (0.0031%); highest among the groups gnomAD compares: African/African-American, 0.004%; no homozygotes.

Submissions (2):

Labcorp Genetics (formerly Invitae), Labcorp
Classification: Likely benign. Last evaluated: 2023-12-13. Review status: criteria provided, single submitter. Criteria: Invitae Variant Classification Sherloc (09022015). Collection method: clinical testing. Allele origin: germline.

PreventionGenetics, part of Exact Sciences
Classification: Likely benign for STAR-related condition. Last evaluated: 2019-02-22. Review status: no assertion criteria provided. Collection method: clinical testing. Allele origin: germline. Not counted in ClinVar's aggregate classification.
Comment: This variant is classified as likely benign based on ACMG/AMP sequence variant interpretation guidelines (Richards et al. 2015 PMID: 25741868, with internal and published modifications).